The following is an entry in ClinVar:

NM_000548.5(TSC2):c.4494-3_4498del

Gene: TSC2 (TSC complex subunit 2; plus strand). Cytogenetic location: 16p13.3.
Variant type: Deletion.
Coding change: c.4494-3_4498del on transcript NM_000548.5 (MANE Select); 3 bases into the intron before coding-DNA position 4494 through coding-DNA position 4498, 8 bases deleted (CAGTTTCG; older notation c.4494-3_4498delCAGTTTCG).
Molecular consequence: splice acceptor variant.
Genome position (GRCh38, 1-based): chr16:2,084,948-2,084,955, CAGTTTCG deleted; deleting any 8 consecutive bases within chr16:2,084,947-2,084,955 gives the same sequence; the c. name uses the placement nearest the transcript's 3' end. VCF-style (leftmost placement, unchanged base first): chr16-2084946-TGCAGTTTC-T. GRCh37 (hg19) VCF-style: chr16-2134947-TGCAGTTTC-T.
Other names: c.2952-3_2956del (NM_001406693.1, NM_001406692.1, NM_001406694.1); c.4386-3_4390del (NM_001406667.1); c.4383-3_4387del (NM_001406668.1); c.3894-3_3898del (NM_001406680.1); c.3825-3_3829del (NM_001406683.1, NM_001406682.1); c.3693-3_3697del (NM_001406687.1, NM_001406688.1); c.3081-3_3085del (NM_001406689.1); c.3021-3_3025del (NM_001406690.1); and 26 more.
Identifiers: ClinVar variation 3728976 (VCV003728976.2).

ClinVar aggregate classification (germline): Likely pathogenic (1 of 4 stars; one submission).

Conditions:
Tuberous sclerosis 2 (TSC2). Identifiers: Orphanet 805, MedGen C1860707, MONDO:0013199, OMIM 613254.

Submission:

Labcorp Genetics (formerly Invitae), Labcorp
Classification: Likely pathogenic for Tuberous sclerosis 2. Last evaluated: 2025-01-14. Review status: criteria provided, single submitter. Criteria: Invitae Variant Classification Sherloc (09022015). Collection method: clinical testing. Allele origin: germline.
Comment: This variant results in the deletion of part of exon 35 (c.4494-3_4498del) of the TSC2 gene. It is expected to disrupt RNA splicing. Variants that disrupt the donor or acceptor splice site typically lead to a loss of protein function (PMID: 16199547), and loss-of-function variants in TSC2 are known to be pathogenic (PMID: 10205261, 17304050). This variant is not present in population databases (gnomAD no frequency). This variant has not been reported in the literature in individuals affected with TSC2-related conditions. In summary, the currently available evidence indicates that the variant is pathogenic, but additional data are needed to prove that conclusively. Therefore, this variant has been classified as Likely Pathogenic.

Literature cited by the submitters: PubMed 16199547; PubMed 10205261; PubMed 17304050.